The following is an entry in ClinVar:

ClinVar aggregate classification (germline): Likely benign (1 of 4 stars; one submission).

gnomAD v4.1: 60 of 1,614,066 alleles (0.0037%); highest among the groups gnomAD compares: Non-Finnish European, 0.0049%; no homozygotes.

Submission:

Mayo Clinic Laboratories, Mayo Clinic
Classification: Likely benign. Last evaluated: 2025-04-10. Review status: criteria provided, single submitter. Criteria: ACMG Guidelines, 2015. Collection method: clinical testing. Allele origin: germline. Observed: 1 variant allele.
Comment: BP4, BP7

NM_001761.3(CCNF):c.717A>T (p.Arg239=)

Gene: CCNF (cyclin F; plus strand). Cytogenetic location: 16p13.3.
Variant type: single nucleotide variant.
Coding change: c.717A>T on transcript NM_001761.3 (MANE Select); coding-DNA position 717, A replaced by T.
Protein change: p.Arg239=; no amino-acid change (arginine 239 retained).
Molecular consequence: synonymous variant. On other transcripts: 5 prime UTR variant (1).
Genome position (GRCh38, 1-based): chr16:2,439,766, A>T. VCF-style: chr16-2439766-A-T. GRCh37 (hg19) VCF-style: chr16-2489767-A-T.
Other names: p.Arg239=; c.-208A>T (NM_001323538.2).
Identifiers: ClinVar variation 4684066 (VCV004684066.1).